The following is an entry in ClinVar:

NM_001903.5(CTNNA1):c.702C>A (p.Val234=)

Gene: CTNNA1 (catenin alpha 1; plus strand). Cytogenetic location: 5q31.2.
Variant type: single nucleotide variant.
Coding change: c.702C>A on transcript NM_001903.5 (MANE Select); coding-DNA position 702, C replaced by A.
Protein change: p.Val234=; no amino-acid change (valine 234 retained).
Molecular consequence: synonymous variant.
Genome position (GRCh38, 1-based): chr5:138,824,643, C>A. VCF-style: chr5-138824643-C-A. GRCh37 (hg19) VCF-style: chr5-138160332-C-A.
Other names: c.702C>A, p.Val234= (NM_001290307.3, NM_001323982.2, NM_001323983.1 and 3 more transcripts); c.393C>A, p.Val131= (NM_001290309.3); c.333C>A, p.Val111= (NM_001290310.3).
Identifiers: ClinVar variation 3773255 (VCV003773255.1).

ClinVar aggregate classification (germline): Benign (1 of 4 stars; one submission).

Conditions:
Hereditary diffuse gastric adenocarcinoma (HDGC). Also called: DIFFUSE GASTRIC AND LOBULAR BREAST CANCER SYNDROME. Identifiers: Orphanet 26106, MedGen C1708349, MONDO:0007648, OMIM 137215.

Submission:

Myriad Genetics, Inc.
Classification: Benign for Hereditary diffuse gastric adenocarcinoma. Last evaluated: 2024-10-10. Review status: criteria provided, single submitter. Criteria: Myriad Autosomal Dominant, Autosomal Recessive and X-Linked Classification Criteria (2023). Collection method: clinical testing. Allele origin: unknown.
Comment: This variant is considered benign. This variant is a silent/synonymous amino acid change and it is not expected to impact splicing.